The following is an entry in ClinVar:

NM_000213.5(ITGB4):c.3111+10C>T

Gene: ITGB4 (integrin subunit beta 4; plus strand). Cytogenetic location: 17q25.1.
Variant type: single nucleotide variant.
Coding change: c.3111+10C>T on transcript NM_000213.5 (MANE Select); 10 bases into the intron after coding-DNA position 3111, C replaced by T.
Molecular consequence: intron variant.
Genome position (GRCh38, 1-based): chr17:75,743,871, C>T. VCF-style: chr17-75743871-C-T. GRCh37 (hg19) VCF-style: chr17-73739952-C-T.
Other names: c.3111+10C>T (NM_001005619.2, NM_001005731.3, NM_001438834.1 and 1 more transcripts).
Identifiers: ClinVar variation 3002753 (VCV003002753.5), dbSNP rs777511768, ClinGen allele CA8769696.
Genomic context (GRCh38, chr17:75,743,871, plus strand): 5'-AAGTCCCAGGTCTCCTACCGCACACAGGATGGCACCGCGCAGGGCAACCGGGTGAGGCTG[C>T]GCCACAGGGTCGAGGGTGCAGCCCGGGGGGCTGCGTGGGCACCGCATTGGGTTCCCAAGA-3'

ClinVar aggregate classification (germline): Likely benign. Review status: criteria provided, single submitter (1 of 4 stars). 2 submissions from 2 submitters: Likely benign (1). 1 of the submissions does not count toward it. Last evaluated 2023-12-14.

Conditions:
ITGB4-related disorder. Also called: ITGB4-related condition.

Allele frequency attached by ClinVar (database versions not stated): gnomAD exomes 0.00003; TOPMed 0.00003; gnomAD 0.00005; ExAC 0.00006.

Submissions (2):

Labcorp Genetics (formerly Invitae), Labcorp
Classification: Likely benign. Last evaluated: 2023-12-14. Review status: criteria provided, single submitter. Criteria: Invitae Variant Classification Sherloc (09022015). Collection method: clinical testing. Allele origin: germline.

PreventionGenetics, part of Exact Sciences
Classification: Likely benign for ITGB4-related condition. Last evaluated: 2024-03-06. Review status: no assertion criteria provided. Collection method: clinical testing. Allele origin: germline. Not counted in ClinVar's aggregate classification.
Comment: This variant is classified as likely benign based on ACMG/AMP sequence variant interpretation guidelines (Richards et al. 2015 PMID: 25741868, with internal and published modifications).